The following is an entry in ClinVar:

ClinVar aggregate classification (germline): Conflicting classifications of pathogenicity. Review status: criteria provided, conflicting classifications (1 of 4 stars). 3 submissions from 3 submitters: Uncertain significance (2); Likely benign (1). Last evaluated 2023-10-01.

Conditions:
Retinal dystrophy. Also called: Inherited retinal dystrophy. Identifiers: Orphanet 71862, MedGen C0854723, MeSH D058499, MONDO:0019118, HP:0000556.
Primary ciliary dyskinesia. Also called: Ciliary dyskinesia. Identifiers: Orphanet 244, MedGen C0008780, MONDO:0016575, HP:0012265.

Allele frequency attached by ClinVar (database versions not stated): gnomAD exomes 0.00004; ExAC 0.00006; gnomAD 0.00010; ESP Exome Variant Server 0.00011.
gnomAD v4.1: 44 of 1,066,199 alleles (0.0041%); highest among the groups gnomAD compares: African/African-American, 0.032%; no homozygotes.

Submissions (3):

Dept Of Ophthalmology, Nagoya University
Classification: Uncertain significance for Retinal dystrophy. Last evaluated: 2023-10-01. Review status: criteria provided, single submitter. Criteria: Submitter's publication. Collection method: research. Allele origin: germline. Affected: yes.

Blueprint Genetics
Classification: Likely benign. Last evaluated: 2022-07-25. Review status: criteria provided, single submitter. Criteria: ACMG Guidelines, 2015. Collection method: clinical testing. Allele origin: germline.

Labcorp Genetics (formerly Invitae), Labcorp
Classification: Uncertain significance for Primary ciliary dyskinesia. Last evaluated: 2022-07-20. Review status: criteria provided, single submitter. Criteria: Invitae Variant Classification Sherloc (09022015). Collection method: clinical testing. Allele origin: germline.
Comment: In summary, the available evidence is currently insufficient to determine the role of this variant in disease. Therefore, it has been classified as a Variant of Uncertain Significance. Algorithms developed to predict the effect of missense changes on protein structure and function output the following: SIFT: "Not Available"; PolyPhen-2: "Not Available"; Align-GVGD: "Not Available". The valine amino acid residue is found in multiple mammalian species, which suggests that this missense change does not adversely affect protein function. This variant has not been reported in the literature in individuals affected with RPGR (ORF15)-related conditions. The frequency data for this variant in the population databases is considered unreliable, as metrics indicate poor data quality at this position in the gnomAD database. This sequence change replaces alanine, which is neutral and non-polar, with valine, which is neutral and non-polar, at codon 781 of the RPGR (ORF15) protein (p.Ala781Val).

NM_001034853.2(RPGR):c.2342C>T (p.Ala781Val)

Gene: RPGR (retinitis pigmentosa GTPase regulator; minus strand). Cytogenetic location: Xp11.4.
Variant type: single nucleotide variant.
Coding change: c.2342C>T on transcript NM_001034853.2 (MANE Select); coding-DNA position 2342, C replaced by T.
Protein change: p.Ala781Val; replaces alanine 781 with valine.
Molecular consequence: missense variant. On other transcripts: intron variant (8).
Genome position (GRCh38, 1-based): chrX:38,286,657, G>A on the plus strand (C>T on the coding strand, the complement: RPGR is on the minus strand). VCF-style: chrX-38286657-G-A. GRCh37 (hg19) VCF-style: chrX-38145910-G-A.
Other names: c.1569+4302C>T (NM_001367249.1, NM_001367250.1); c.1902+437C>T (NM_001367245.1); c.1386+4302C>T (NM_001367251.1); c.1719+437C>T (NM_001367246.1); c.1572+4302C>T (NM_001367247.1); c.1905+437C>T (NM_000328.3); c.1602+4302C>T (NM_001367248.1); short protein forms A781V.
Identifiers: ClinVar variation 2169932 (VCV002169932.5), dbSNP rs368235489, ClinGen allele CA10385290.